The following is an entry in ClinVar:

ClinVar aggregate classification (germline): Pathogenic (1 of 4 stars; one submission).

Conditions:
Duchenne muscular dystrophy (DMD). Also called: MUSCULAR DYSTROPHY, PSEUDOHYPERTROPHIC PROGRESSIVE, DUCHENNE TYPE; Duchenne Muscular Dystrophy (DMD). Identifiers: Orphanet 98896, MedGen C0013264, MONDO:0010679, OMIM 310200.

Submission:

Labcorp Genetics (formerly Invitae), Labcorp
Classification: Pathogenic for Duchenne muscular dystrophy. Last evaluated: 2018-12-04. Review status: criteria provided, single submitter. Criteria: Invitae Variant Classification Sherloc (09022015). Collection method: clinical testing. Allele origin: germline.
Comment: This variant is an out-of-frame deletion of the genomic region encompassing exons 51-55 of the DMD gene. This is expected to create a premature translational stop signal and result in an absent or disrupted protein product. A similar deletion of exons 51-55 has been reported in individuals affected with DMD-related muscular dystrophy (PMID: 22090376, 15841391, 16030524, 9800909, 27206868, 21228398). Loss-of-function variants in DMD are known to be pathogenic (PMID: 16770791, 25007885). For these reasons, this variant has been classified as Pathogenic.

Literature cited by the submitters: PubMed 22090376; PubMed 15841391; PubMed 16030524; PubMed 9800909; PubMed 27206868; PubMed 21228398.

NC_000023.11:g.(?_31595570)_(31774202_?)del

Gene: DMD (dystrophin; minus strand). Cytogenetic location: Xp21.1.
Variant type: Deletion.
Identifiers: ClinVar variation 640997 (VCV000640997.1).